The following is an entry in ClinVar:

ClinVar aggregate classification (germline): Pathogenic/Likely pathogenic. Review status: criteria provided, multiple submitters, no conflicts (2 of 4 stars). 5 submissions from 5 submitters: Pathogenic (2); Likely pathogenic (3). Last evaluated 2025-11-22.

Conditions:
OCA2-related disorder. Also called: OCA2-related condition.
Tyrosinase-positive oculocutaneous albinism (OCA2). Also called: Oculocutaneous albinism type 2; ALBINISM II; Albinism, oculocutaneous, type II. Identifiers: Orphanet 79432, MedGen C0268495, MONDO:0008746, OMIM 203200.
SKIN/HAIR/EYE PIGMENTATION 1, BLUE/NONBLUE EYES (SHEP1). Also called: BROWN EYE COLOR 2; EYE COLOR 3; EYE COLOR, BLUE/NONBLUE; EYE COLOR, BROWN/BLUE; HAIR COLOR 3; SKIN/HAIR/EYE PIGMENTATION 1, BLOND/BROWN HAIR. Identifiers: MedGen C1856895, OMIM 227220.

Allele frequency attached by ClinVar (database versions not stated): gnomAD exomes below 0.00001; gnomAD 0.00002; TOPMed 0.00002.
gnomAD v4.1: 4 of 1,613,218 alleles (0.00025%); highest among the groups gnomAD compares: African/African-American, 0.004%; no homozygotes.

Submissions (6):

Labcorp Genetics (formerly Invitae), Labcorp
Classification: Pathogenic. Last evaluated: 2025-11-22. Review status: criteria provided, single submitter. Criteria: Invitae Variant Classification Sherloc (09022015). Collection method: clinical testing. Allele origin: germline.
Comment: This sequence change replaces glycine, which is neutral and non-polar, with arginine, which is basic and polar, at codon 782 of the OCA2 protein (p.Gly782Arg). This variant is present in population databases (rs797045839, gnomAD 0.008%). This missense change has been observed in individual(s) with oculocutaneous albinism (PMID: 19865097, 31077556, 34838614). ClinVar contains an entry for this variant (Variation ID: 211770). Invitae Evidence Modeling of protein sequence and biophysical properties (such as structural, functional, and spatial information, amino acid conservation, physicochemical variation, residue mobility, and thermodynamic stability) indicates that this missense variant is expected to disrupt OCA2 protein function with a positive predictive value of 80%. For these reasons, this variant has been classified as Pathogenic.

Baylor Genetics
Classification: Pathogenic for SKIN/HAIR/EYE PIGMENTATION 1, BLUE/NONBLUE EYES. Last evaluated: 2023-10-06. Review status: criteria provided, single submitter. Criteria: ACMG Guidelines, 2015. Collection method: clinical testing. Allele origin: unknown.

Blueprint Genetics
Classification: Likely pathogenic for OCA2-related disorders. Last evaluated: 2020-09-29. Review status: criteria provided, single submitter. Criteria: ACMG Guidelines, 2015. Collection method: clinical testing. Allele origin: germline. Affected: yes. Observed: 1 variant allele.

Genetic Services Laboratory, University of Chicago
Classification: Likely pathogenic for Albinism, oculocutaneous, type II. Last evaluated: 2015-02-26. Review status: criteria provided, single submitter. Criteria: ACMG Guidelines, 2015. Collection method: clinical testing. Allele origin: germline. Affected: yes.

Juno Genomics, Hangzhou Juno Genomics, Inc
Classification: Likely pathogenic for Tyrosinase-positive oculocutaneous albinism. Review status: criteria provided, single submitter. Criteria: ACMG Guidelines, 2015. Collection method: clinical testing. Allele origin: germline.
Comment: Absent from controls (or at extremely low frequency if recessive) in Genome Aggregation Database.;Multiple lines of computational evidence support a deleterious effect on the gene or gene product.;For recessive disorders, detected in trans with a pathogenic variant.

Dr. Peter K. Rogan Lab, Western University
No classification provided (evidence only). Condition: Melanoma. Review status: no classification provided. Collection method: in vitro. Allele origin: not applicable. Functional consequence: skipped exon, retained intron. Not counted in ClinVar's aggregate classification.

Literature cited by the submitters: PubMed 19865097 (cited by Labcorp Genetics (formerly Invitae), Labcorp); PubMed 31077556 (cited by Labcorp Genetics (formerly Invitae), Labcorp); PubMed 34838614 (cited by Labcorp Genetics (formerly Invitae), Labcorp).

NM_000275.3(OCA2):c.2344G>A (p.Gly782Arg)

Gene: OCA2 (OCA2 melanosomal transmembrane protein; minus strand). Cytogenetic location: 15q13.1.
Variant type: single nucleotide variant.
Coding change: c.2344G>A on transcript NM_000275.3 (MANE Select); coding-DNA position 2344, G replaced by A.
Protein change: p.Gly782Arg; replaces glycine 782 with arginine.
Molecular consequence: missense variant.
Genome position (GRCh38, 1-based): chr15:27,845,047, C>T on the plus strand (G>A on the coding strand, the complement: OCA2 is on the minus strand). VCF-style: chr15-27845047-C-T. GRCh37 (hg19) VCF-style: chr15-28090193-C-T.
Other names: c.2272G>A, p.Gly758Arg (NM_001300984.2); short protein forms G782R, G758R.
Identifiers: ClinVar variation 211770 (VCV000211770.18), dbSNP rs797045839, ClinGen allele CA277156.